The following is an entry in ClinVar:

NM_001370338.1(SLC7A2):c.-22-4386A>C

Gene: SLC7A2 (solute carrier family 7 member 2; plus strand). Cytogenetic location: 8p22.
Variant type: single nucleotide variant.
Coding change: c.-22-4386A>C on transcript NM_001370338.1 (MANE Select); 4386 bases into the intron before 22 bases upstream of the start codon, A replaced by C.
Molecular consequence: intron variant.
Genome position (GRCh38, 1-based): chr8:17,538,932, A>C. VCF-style: chr8-17538932-A-C. GRCh37 (hg19) VCF-style: chr8-17396441-A-C.
Other names: c.-22-4386A>C (NM_001370337.1, NM_001008539.4); c.98+10A>C (NM_001164771.2, NM_003046.6).
Identifiers: ClinVar variation 3058848 (VCV003058848.2), dbSNP rs199757672, ClinGen allele CA4644518.

ClinVar aggregate classification (germline): Benign (0 of 4 stars; one submission).

Conditions:
SLC7A2-related disorder. Also called: SLC7A2-related condition.

Allele frequency attached by ClinVar (database versions not stated): gnomAD 0.02570; 1000 Genomes Project 30x 0.05434; 1000 Genomes Project 0.05591.
gnomAD v4.1: 18,404 of 1,611,186 alleles (1.1%); highest among the groups gnomAD compares: East Asian, 9%; 556 homozygotes.

Submission:

PreventionGenetics, part of Exact Sciences
Classification: Benign for SLC7A2-related condition. Last evaluated: 2019-11-26. Review status: no assertion criteria provided. Collection method: clinical testing. Allele origin: germline.
Comment: This variant is classified as benign based on ACMG/AMP sequence variant interpretation guidelines (Richards et al. 2015 PMID: 25741868, with internal and published modifications).